The following is an entry in ClinVar:

ClinVar aggregate classification (germline): Uncertain significance (1 of 4 stars; one submission).

Allele frequency attached by ClinVar (database versions not stated): gnomAD exomes below 0.00001.
gnomAD v4.1: 1 of 1,613,976 alleles (0.000062%); highest among the groups gnomAD compares: Non-Finnish European, 0.000085%; no homozygotes.

Submission:

Labcorp Genetics (formerly Invitae), Labcorp
Classification: Uncertain significance. Last evaluated: 2024-10-15. Review status: criteria provided, single submitter. Criteria: Invitae Variant Classification Sherloc (09022015). Collection method: clinical testing. Allele origin: germline.
Comment: This sequence change falls in intron 14 of the RHBDF2 gene. It does not directly change the encoded amino acid sequence of the RHBDF2 protein. It affects a nucleotide within the consensus splice site. This variant is not present in population databases (gnomAD no frequency). This variant has not been reported in the literature in individuals affected with RHBDF2-related conditions. Variants that disrupt the consensus splice site are a relatively common cause of aberrant splicing (PMID: 17576681, 9536098). Algorithms developed to predict the effect of sequence changes on RNA splicing suggest that this variant is not likely to affect RNA splicing. In summary, the available evidence is currently insufficient to determine the role of this variant in disease. Therefore, it has been classified as a Variant of Uncertain Significance.

Literature cited by the submitters: PubMed 17576681; PubMed 9536098.

NM_001005498.4(RHBDF2):c.1638+6T>C

Gene: RHBDF2 (rhomboid 5 homolog 2; minus strand). Cytogenetic location: 17q25.1.
Variant type: single nucleotide variant.
Coding change: c.1638+6T>C on transcript NM_001005498.4 (MANE Select); 6 bases into the intron after coding-DNA position 1638, T replaced by C.
Molecular consequence: intron variant.
Genome position (GRCh38, 1-based): chr17:76,473,833, A>G on the plus strand (T>C on the coding strand, the complement: RHBDF2 is on the minus strand). VCF-style: chr17-76473833-A-G. GRCh37 (hg19) VCF-style: chr17-74469915-A-G.
Other names: c.1725+6T>C (NM_024599.5); c.1638+6T>C (NM_001376230.1, NM_001376228.1, NM_001376229.1).
Identifiers: ClinVar variation 2764889 (VCV002764889.3), dbSNP rs2509786905, ClinGen allele CA502067301.